The following is an entry in ClinVar:

NM_032043.3(BRIP1):c.3183C>T (p.Asn1061=)

Gene: BRIP1 (BRCA1 interacting DNA helicase 1; minus strand). Cytogenetic location: 17q23.2.
Variant type: single nucleotide variant.
Coding change: c.3183C>T on transcript NM_032043.3 (MANE Select); coding-DNA position 3183, C replaced by T.
Protein change: p.Asn1061=; no amino-acid change (asparagine 1061 retained).
Molecular consequence: synonymous variant.
Genome position (GRCh38, 1-based): chr17:61,683,863, G>A on the plus strand (C>T on the coding strand, the complement: BRIP1 is on the minus strand). VCF-style: chr17-61683863-G-A. GRCh37 (hg19) VCF-style: chr17-59761224-G-A.
Identifiers: ClinVar variation 461141 (VCV000461141.15), dbSNP rs1555572792, ClinGen allele CA501335312.

ClinVar aggregate classification (germline): Benign/Likely benign. Review status: criteria provided, multiple submitters, no conflicts (2 of 4 stars). 3 submissions from 3 submitters: Benign (1); Likely benign (2). Last evaluated 2024-09-09.

Conditions:
Hereditary cancer-predisposing syndrome. Also called: Hereditary neoplastic syndrome; Neoplastic Syndromes, Hereditary; Tumor predisposition; Hereditary Cancer Syndrome. Identifiers: Orphanet 140162, MedGen C0027672, MeSH D009386, MONDO:0015356.
Fanconi anemia complementation group J. Also called: BRIP1-Related Fanconi Anemia. Identifiers: Orphanet 84, MedGen C1836860, MONDO:0012187, OMIM 609054.
Familial cancer of breast. Also called: BREAST CANCER, FAMILIAL; hereditary breast carcinoma; Hereditary breast cancer. Identifiers: Orphanet 227535, MedGen C0346153, MONDO:0016419, OMIM 114480. Disease mechanism: loss of function.

Submissions (3):

Myriad Genetics, Inc.
Classification: Benign for Familial cancer of breast. Last evaluated: 2024-09-09. Review status: criteria provided, single submitter. Criteria: Myriad Autosomal Dominant, Autosomal Recessive and X-Linked Classification Criteria (2023). Collection method: clinical testing. Allele origin: unknown.
Comment: This variant is considered benign. This variant is a silent/synonymous amino acid change and it is not expected to impact splicing.

Labcorp Genetics (formerly Invitae), Labcorp
Classification: Likely benign for Familial cancer of breast; Fanconi anemia complementation group J. Last evaluated: 2021-02-05. Review status: criteria provided, single submitter. Criteria: Invitae Variant Classification Sherloc (09022015). Collection method: clinical testing. Allele origin: germline.

Ambry Genetics
Classification: Likely benign for Hereditary cancer-predisposing syndrome. Last evaluated: 2018-11-30. Review status: criteria provided, single submitter. Criteria: Ambry Variant Classification Scheme 2023. Collection method: clinical testing. Allele origin: germline.